The following is an entry in ClinVar:

ClinVar aggregate classification (germline): Uncertain significance (1 of 4 stars; one submission).

Conditions:
EAST syndrome (SESAMES). Also called: SEIZURES, SENSORINEURAL DEAFNESS, ATAXIA, IMPAIRED INTELLECTUAL DEVELOPMENT, AND ELECTROLYTE IMBALANCE. Identifiers: Orphanet 199343, MedGen C2748572, MONDO:0013005, OMIM 612780.

Submission:

Labcorp Genetics (formerly Invitae), Labcorp
Classification: Uncertain significance for EAST syndrome. Last evaluated: 2023-07-03. Review status: criteria provided, single submitter. Criteria: Invitae Variant Classification Sherloc (09022015). Collection method: clinical testing. Allele origin: germline.
Comment: In summary, the available evidence is currently insufficient to determine the role of this variant in disease. Therefore, it has been classified as a Variant of Uncertain Significance. Advanced modeling of protein sequence and biophysical properties (such as structural, functional, and spatial information, amino acid conservation, physicochemical variation, residue mobility, and thermodynamic stability) performed at Invitae indicates that this missense variant is not expected to disrupt KCNJ10 protein function. ClinVar contains an entry for this variant (Variation ID: 1460765). This variant has not been reported in the literature in individuals affected with KCNJ10-related conditions. This variant is not present in population databases (gnomAD no frequency). This sequence change replaces lysine, which is basic and polar, with glutamic acid, which is acidic and polar, at codon 53 of the KCNJ10 protein (p.Lys53Glu).

NM_002241.5(KCNJ10):c.157A>G (p.Lys53Glu)

Gene: KCNJ10 (potassium inwardly rectifying channel subfamily J member 10; minus strand). Cytogenetic location: 1q23.2.
Variant type: single nucleotide variant.
Coding change: c.157A>G on transcript NM_002241.5 (MANE Select); coding-DNA position 157, A replaced by G.
Protein change: p.Lys53Glu; replaces lysine 53 with glutamic acid.
Molecular consequence: missense variant.
Genome position (GRCh38, 1-based): chr1:160,042,376, T>C on the plus strand (A>G on the coding strand, the complement: KCNJ10 is on the minus strand). VCF-style: chr1-160042376-T-C. GRCh37 (hg19) VCF-style: chr1-160012166-T-C.
Other names: short protein forms K53E.
Identifiers: ClinVar variation 1460765 (VCV001460765.6), dbSNP rs2101925129, ClinGen allele CA343229870.